The following is an entry in ClinVar:

NM_021098.3(CACNA1H):c.3751T>C (p.Cys1251Arg)

Gene: CACNA1H (calcium voltage-gated channel subunit alpha1 H; plus strand). Cytogenetic location: 16p13.3.
Variant type: single nucleotide variant.
Coding change: c.3751T>C on transcript NM_021098.3 (MANE Select); coding-DNA position 3751, T replaced by C.
Protein change: p.Cys1251Arg; replaces cysteine 1251 with arginine.
Molecular consequence: missense variant.
Genome position (GRCh38, 1-based): chr16:1,210,041, T>C. VCF-style: chr16-1210041-T-C. GRCh37 (hg19) VCF-style: chr16-1260041-T-C.
Other names: c.3751T>C, p.Cys1251Arg (NM_001005407.2); short protein forms C1251R.
Identifiers: ClinVar variation 4538948 (VCV004538948.1).

ClinVar aggregate classification (germline): Uncertain significance (1 of 4 stars; one submission).

Submission:

GeneDx
Classification: Uncertain significance. Last evaluated: 2025-06-18. Review status: criteria provided, single submitter. Criteria: GeneDx Variant Classification Process June 2021. Collection method: clinical testing. Allele origin: germline. Affected: yes.
Comment: Not observed at significant frequency in large population cohorts (gnomAD); In silico analysis supports that this missense variant has a deleterious effect on protein structure/function; Has not been previously published as pathogenic or benign to our knowledge.